The following is an entry in ClinVar:

NM_000276.4(OCRL):c.596A>G (p.Gln199Arg)

Gene: OCRL (OCRL inositol polyphosphate-5-phosphatase; plus strand). Cytogenetic location: Xq26.1.
Variant type: single nucleotide variant.
Coding change: c.596A>G on transcript NM_000276.4 (MANE Select); coding-DNA position 596, A replaced by G.
Protein change: p.Gln199Arg; replaces glutamine 199 with arginine.
Molecular consequence: missense variant.
Genome position (GRCh38, 1-based): chrX:129,558,875, A>G. VCF-style: chrX-129558875-A-G. GRCh37 (hg19) VCF-style: chrX-128692852-A-G.
Other names: c.599A>G, p.Gln200Arg (NM_001318784.2); c.596A>G, p.Gln199Arg (NM_001587.4); short protein forms Q199R, Q200R.
Identifiers: ClinVar variation 4802192 (VCV004802192.1).
Genomic context (GRCh38, chrX:129,558,875, plus strand): 5'-TTTGAATCTCTCATTTATTTGCTAGGCTTCCACGTGAAAAAGAAGCTTCTAACAAGGAGC[A>G]GCCCAAAGTGACCAACACCATGCGGAAGCTCTTTGTACCAAATACCCAATCTGGGCAGCG-3'
Protein context (NP_000267.2, residues 189-209): PREKEASNKE[Gln199Arg]PKVTNTMRKL

ClinVar aggregate classification (germline): Uncertain significance (1 of 4 stars; one submission).

Conditions:
Lowe syndrome (OCRL). Also called: LOWE OCULOCEREBRORENAL SYNDROME; PHOSPHATIDYLINOSITOL 4,5-BISPHOSPHATE 5-PHOSPHATASE DEFICIENCY; Oculocerebrorenal Syndrome. Identifiers: Orphanet 534, MedGen C0028860, MONDO:0010645, OMIM 309000.

Submission:

Labcorp Genetics (formerly Invitae), Labcorp
Classification: Uncertain significance for Lowe syndrome. Last evaluated: 2025-11-13. Review status: criteria provided, single submitter. Criteria: Invitae Variant Classification Sherloc (09022015). Collection method: clinical testing. Allele origin: germline.
Comment: This sequence change replaces glutamine, which is neutral and polar, with arginine, which is basic and polar, at codon 199 of the OCRL protein (p.Gln199Arg). This variant is not present in population databases (gnomAD no frequency). This variant has not been reported in the literature in individuals affected with OCRL-related conditions. Invitae Evidence Modeling of protein sequence and biophysical properties (such as structural, functional, and spatial information, amino acid conservation, physicochemical variation, residue mobility, and thermodynamic stability) indicates that this missense variant is not expected to disrupt OCRL protein function with a negative predictive value of 95%. In summary, the available evidence is currently insufficient to determine the role of this variant in disease. Therefore, it has been classified as a Variant of Uncertain Significance.